The following is an entry in ClinVar:

NM_000525.4(KCNJ11):c.152_158del (p.Glu51fs)

Gene: KCNJ11 (potassium inwardly rectifying channel subfamily J member 11; minus strand). Cytogenetic location: 11p15.1.
Variant type: Deletion.
Coding change: c.152_158del on transcript NM_000525.4 (MANE Select); coding-DNA positions 152 to 158, 7 bases deleted (AGCAGGG; older notation c.152_158delAGCAGGG).
Protein change: p.Glu51fs; shifts the reading frame from glutamic acid 51.
Molecular consequence: frameshift variant. On other transcripts: intron variant (3).
Genome position (GRCh38, 1-based): chr11:17,387,934-17,387,940, CCCTGCT deleted on the plus strand (AGCAGGG on the coding strand, the reverse complement: KCNJ11 is on the minus strand); deleting any 7 consecutive bases within chr11:17,387,934-17,387,943 gives the same sequence; the c. name uses the placement nearest the transcript's 3' end. VCF-style (leftmost placement, unchanged base first): chr11-17387933-GCCCTGCT-G. GRCh37 (hg19) VCF-style: chr11-17409480-GCCCTGCT-G.
Other names: c.152_158delAGCAGGG (NM_000525.3); c.-16-94_-16-88del (NM_001166290.2, NM_001377297.1); c.-17+78_-17+84del (NM_001377296.1); short protein forms E51fs.
Identifiers: ClinVar variation 947372 (VCV000947372.13), dbSNP rs1953591118, ClinGen allele CA1139661844.

ClinVar aggregate classification (germline): Conflicting classifications of pathogenicity. Review status: criteria provided, conflicting classifications (1 of 4 stars). 4 submissions from 4 submitters: Pathogenic (2); Likely pathogenic (1); Uncertain significance (1). Last evaluated 2025-08-07.

Conditions:
Maturity-onset diabetes of the young (MODY). Also called: Maturity onset diabetes mellitus in young. Identifiers: Orphanet 552, MedGen C0342276, MONDO:0018911, HP:0004904.
Hyperinsulinemic hypoglycemia, familial, 2. Also called: HYPERINSULINEMIC HYPOGLYCEMIA, PERSISTENT; HYPERINSULINISM, NEONATAL. Identifiers: Orphanet 276580, Orphanet 276603, MedGen C2931833, MONDO:0011153, OMIM 601820. Disease mechanism: loss of function.
Permanent neonatal diabetes mellitus (PNDM). Identifiers: Orphanet 99885, MedGen C1833104, MONDO:0100164, MONDO:0011643. Disease mechanism: gain of function.

Submissions (4):

Myriad Genetics, Inc.
Classification: Pathogenic for Hyperinsulinemic hypoglycemia, familial, 2. Last evaluated: 2025-08-07. Review status: criteria provided, single submitter. Criteria: Myriad Autosomal Dominant, Autosomal Recessive and X-Linked Classification Criteria (2023). Collection method: clinical testing. Allele origin: unknown.
Comment: NM_000525.3(KCNJ11):c.152_158del7(E51Afs*77) is a frameshift variant classified as pathogenic in the context of familial hyperinsulinism, KCNJ11-related. E51Afs*77 has not been observed in cases with relevant disease. Relevant functional assessments of this variant are not available in the literature. E51Afs*77 has not been observed in referenced population frequency databases. In summary, NM_000525.3(KCNJ11):c.152_158del7(E51Afs*77) is a frameshift variant in a gene where loss of function is a known mechanism of disease and is predicted to disrupt protein function. Please note: this variant was assessed in the context of healthy population screening.

Natera, Inc.
Classification: Likely pathogenic for Permanent neonatal diabetes mellitus. Last evaluated: 2024-10-15. Review status: criteria provided, single submitter. Criteria: Natera Variant Classification Schema (03/2026). Collection method: clinical testing. Allele origin: germline.
Comment: The c.152_158delAGCAGGG variant in KCNJ11 is a frameshift variant predicted to shift the reading frame beginning at codon 51 and leads to a stop codon 77 codons downstream. This variant is expected to result in nonsense mediated decay, truncation, or a dysfunctional protein product. This variant is rare in the general population with a frequency below the threshold expected for the associated phenotype(s). Given the available evidence, this variant is classified as Likely Pathogenic.

Labcorp Genetics (formerly Invitae), Labcorp
Classification: Pathogenic. Last evaluated: 2024-02-02. Review status: criteria provided, single submitter. Criteria: Invitae Variant Classification Sherloc (09022015). Collection method: clinical testing. Allele origin: germline.
Comment: This sequence change creates a premature translational stop signal (p.Glu51Alafs*77) in the KCNJ11 gene. While this is not anticipated to result in nonsense mediated decay, it is expected to disrupt the last 340 amino acid(s) of the KCNJ11 protein. This variant is not present in population databases (gnomAD no frequency). This variant has not been reported in the literature in individuals affected with KCNJ11-related conditions. ClinVar contains an entry for this variant (Variation ID: 947372). This variant disrupts a region of the KCNJ11 protein in which other variant(s) (p.Arg301Cys) have been determined to be pathogenic (PMID: 11585851, 18250167, 20685672, 23275527). This suggests that this is a clinically significant region of the protein, and that variants that disrupt it are likely to be disease-causing. For these reasons, this variant has been classified as Pathogenic.

Clinical Genomics, Uppaluri K&H Personalized Medicine Clinic
Classification: Uncertain significance for Maturity-onset diabetes of the young. Review status: criteria provided, single submitter. Criteria: K & H Uppaluri Personalized Medicine Clinic Variant Classification & Assertion Criteria_Updated V.1. Collection method: research. Allele origin: somatic. Inheritance: Autosomal dominant inheritance.
Comment: Mutations in KCNJ11 gene can cause decreased production and secretion of insulin. This can lead to MODY which may be responsive to oral sulfonylureas. It is also associated with Neonatal Diabetes. However, no sufficient evidence is found to ascertain the role of this particular variant (rs1953591118) in MODY yet.

Literature cited by the submitters: PubMed 11585851 (cited by Labcorp Genetics (formerly Invitae), Labcorp); PubMed 18250167 (cited by Labcorp Genetics (formerly Invitae), Labcorp); PubMed 20685672 (cited by Labcorp Genetics (formerly Invitae), Labcorp); PubMed 23275527 (cited by Labcorp Genetics (formerly Invitae), Labcorp); PubMed 26448950 (cited by Clinical Genomics, Uppaluri K&H Personalized Medicine Clinic); PubMed 15580558 (cited by Clinical Genomics, Uppaluri K&H Personalized Medicine Clinic); PubMed 15718250 (cited by Clinical Genomics, Uppaluri K&H Personalized Medicine Clinic); PubMed 32935446 (cited by Clinical Genomics, Uppaluri K&H Personalized Medicine Clinic); PubMed 22701567 (cited by Clinical Genomics, Uppaluri K&H Personalized Medicine Clinic).